The following is an entry in ClinVar:

NM_001197104.2(KMT2A):c.1893C>A (p.Tyr631Ter)

Gene: KMT2A (lysine methyltransferase 2A; plus strand). Cytogenetic location: 11q23.3.
Variant type: single nucleotide variant.
Coding change: c.1893C>A on transcript NM_001197104.2 (MANE Select); coding-DNA position 1893, C replaced by A.
Protein change: p.Tyr631Ter; replaces tyrosine 631 with a stop codon.
Molecular consequence: nonsense.
Genome position (GRCh38, 1-based): chr11:118,473,052, C>A. VCF-style: chr11-118473052-C-A. GRCh37 (hg19) VCF-style: chr11-118343767-C-A.
Other names: c.1992C>A, p.Tyr664Ter (NM_001412597.1); c.1893C>A, p.Tyr631Ter (NM_005933.4); short protein forms Y631*, Y664*.
Identifiers: ClinVar variation 4056552 (VCV004056552.1).
Genomic context (GRCh38, chr11:118,473,052, plus strand): 5'-TTTGCGAGAACCGACATTTAGGTGGACTTCTTTAAAGCATTCTAGGTCAGAGCCACAATA[C>A]TTTTCCTCAGCAAAGTATGCCAAAGAAGGTCTTATTCGCAAACCAATATTTGATAATTTC-3'

ClinVar aggregate classification (germline): Likely pathogenic (1 of 4 stars; one submission).

Conditions:
Wiedemann-Steiner syndrome (WDSTS). Also called: Growth deficiency and mental retardation with facial dysmorphism. Identifiers: Orphanet 319182, MedGen C1854630, MONDO:0011518, OMIM 605130.

Submission:

Laboratorio de Genetica e Diagnostico Molecular, Hospital Israelita Albert Einstein
Classification: Likely pathogenic for Wiedemann-Steiner syndrome. Last evaluated: 2023-08-30. Review status: criteria provided, single submitter. Criteria: ACMG Guidelines, 2015. Collection method: clinical testing. Allele origin: germline. Affected: yes.
Comment: ACMG classification criteria: PVS1 very strong, PM2 moderate